The following is an entry in ClinVar:

NC_000007.13:g.(?_33388660)_(33397627_?)del

Gene: BBS9 (Bardet-Biedl syndrome 9; plus strand). Cytogenetic location: 7p14.3.
Variant type: Deletion.
Identifiers: ClinVar variation 2427653 (VCV002427653.4).

ClinVar aggregate classification (germline): Pathogenic (1 of 4 stars; one submission).

Conditions:
Bardet-Biedl syndrome (BBS). Identifiers: Orphanet 110, MedGen C0752166, MONDO:0015229.

Submission:

Labcorp Genetics (formerly Invitae), Labcorp
Classification: Pathogenic for Bardet-Biedl syndrome. Last evaluated: 2021-11-27. Review status: criteria provided, single submitter. Criteria: Invitae Variant Classification Sherloc (09022015). Collection method: clinical testing. Allele origin: germline.
Comment: For these reasons, this variant has been classified as Pathogenic. This variant has not been reported in the literature in individuals affected with BBS9-related conditions. This variant is a gross deletion of the genomic region encompassing exon(s) 13-16 of the BBS9 gene. This deletion is out-of-frame, and is expected to create a premature termination codon and result in an absent or disrupted protein product. Loss-of-function variants in BBS9 are known to be pathogenic (PMID: 16380913, 20177705).

Literature cited by the submitters: PubMed 16380913; PubMed 20177705.